The following is an entry in ClinVar:

NM_001270974.2(HYDIN):c.6188C>T (p.Ala2063Val)

Gene: HYDIN (HYDIN axonemal central pair apparatus protein; minus strand). Cytogenetic location: 16q22.2.
Variant type: single nucleotide variant.
Coding change: c.6188C>T on transcript NM_001270974.2 (MANE Select); coding-DNA position 6188, C replaced by T.
Protein change: p.Ala2063Val; replaces alanine 2063 with valine.
Molecular consequence: missense variant.
Genome position (GRCh38, 1-based): chr16:70,955,503, G>A on the plus strand (C>T on the coding strand, the complement: HYDIN is on the minus strand). VCF-style: chr16-70955503-G-A. GRCh37 (hg19) VCF-style: chr16-70989406-G-A.
Other names: short protein forms A2063V.
Identifiers: ClinVar variation 3250711 (VCV003250711.19), dbSNP rs201786756.

ClinVar aggregate classification (germline): Likely benign. Review status: criteria provided, multiple submitters, no conflicts (2 of 4 stars). 2 submissions from 2 submitters: Likely benign (2). Last evaluated 2024-07-23.

Allele frequency attached by ClinVar (database versions not stated): gnomAD 0.00136; TOPMed 0.00163; ESP Exome Variant Server 0.00167; 1000 Genomes Project 30x 0.00187; 1000 Genomes Project 0.00200.
gnomAD v4.1: 519 of 1,584,946 alleles (0.033%); highest among the groups gnomAD compares: African/African-American, 0.44%; no homozygotes.

Submissions (2):

Women's Health and Genetics/Laboratory Corporation of America, LabCorp
Classification: Likely benign. Last evaluated: 2024-07-23. Review status: criteria provided, single submitter. Criteria: LabCorp Variant Classification Summary - May 2015. Collection method: clinical testing. Allele origin: germline.
Comment: Variant summary: HYDIN c.6188C>T (p.Ala2063Val) results in a non-conservative amino acid change in the encoded protein sequence. Two of four in-silico tools predict a benign effect of the variant on protein function. The variant allele was found at a frequency of 0.00051 in 223758 control chromosomes, predominantly at a frequency of 0.0055 within the African or African-American subpopulation in the gnomAD database. The observed variant frequency within African or African-American control individuals in the gnomAD database exceeds the estimated maximal expected allele frequency for a pathogenic variant in HYDIN causing Primary Ciliary Dyskinesia 5 phenotype. To our knowledge, no occurrence of c.6188C>T in individuals affected with Primary Ciliary Dyskinesia 5 and no experimental evidence demonstrating its impact on protein function have been reported. ClinVar contains an entry for this variant (Variation ID: 3250711). Based on the evidence outlined above, the variant was classified as likely benign.

CeGaT Center for Human Genetics Tuebingen
Classification: Likely benign. Last evaluated: 2024-06-01. Review status: criteria provided, single submitter. Criteria: CeGaT Center For Human Genetics Tuebingen Variant Classification Criteria Version 2. Collection method: clinical testing. Allele origin: germline. Affected: yes. Observed: 1 variant allele.
Comment: HYDIN: BP4